The following is an entry in ClinVar:

NM_001170535.3(ATAD3A):c.229C>G (p.Leu77Val)

Gene: ATAD3A (ATPase family AAA domain containing 3A; plus strand). Cytogenetic location: 1p36.33.
Variant type: single nucleotide variant.
Coding change: c.229C>G on transcript NM_001170535.3 (MANE Select); coding-DNA position 229, C replaced by G.
Protein change: p.Leu77Val; replaces leucine 77 with valine.
Molecular consequence: missense variant. On other transcripts: 5 prime UTR variant (1).
Genome position (GRCh38, 1-based): chr1:1,516,035, C>G. VCF-style: chr1-1516035-C-G. GRCh37 (hg19) VCF-style: chr1-1451415-C-G.
Other names: c.-9C>G (NM_001170536.3); c.229C>G, p.Leu77Val (NM_018188.5); short protein forms L77V.
Identifiers: ClinVar variation 432628 (VCV000432628.58), dbSNP rs138594222, ClinGen allele CA525640.
Genomic context (GRCh38, chr1:1,516,035, plus strand): 5'-ATCCTAACACCTGCCCTCCGTGTCCTTGCGTCTGCAGGTTATGCCAAGGACGCCCTGAAT[C>G]TGGCACAGATGCAGGAGCAGACGCTGCAGTTGGAGCAACAGTCCAAGCTCAAAGTGAGTG-3'
Protein context (NP_001164006.1, residues 67-87): HSRYAKDALN[Leu77Val]AQMQEQTLQL

ClinVar aggregate classification (germline): Conflicting classifications of pathogenicity. Review status: criteria provided, conflicting classifications (1 of 4 stars). 11 submissions from 11 submitters: Pathogenic (2); Uncertain significance (9). Last evaluated 2026-09-07.

Conditions:
ATAD3A-related disorders.
Fetal anomalies with a likely genetic cause.
Pontocerebellar hypoplasia, hypotonia, and respiratory insufficiency syndrome, neonatal lethal. Also called: PHRINL SYNDROME. Identifiers: Orphanet 615954, MedGen C5394137, MONDO:0032931, OMIM 618810.
Harel-Yoon syndrome (HAYOS). Also called: Optic atrophy-peripheral neuropathy-developmental delay syndrome. Identifiers: Orphanet 496790, MedGen C4310677, MONDO:0014958, OMIM 617183.
Inborn genetic diseases. Identifiers: MedGen C0950123, MeSH D030342.

Allele frequency attached by ClinVar (database versions not stated): 1000 Genomes Project 0.00020; ExAC 0.00042; 1000 Genomes Project 30x 0.00016; gnomAD 0.00040 and 0.00042; gnomAD exomes 0.00043; TOPMed 0.00039; ESP Exome Variant Server 0.00054.
gnomAD v4.1: 713 of 1,614,068 alleles (0.044%); highest among the groups gnomAD compares: Non-Finnish European, 0.05%; 4 homozygotes.

Submissions (11):

Genetics Laboratory, Great Ormond Street Hospital NHS Foundation Trust, North Thames Genomic Laboratory Hub
Classification: Uncertain significance for Fetal anomalies with a likely genetic cause. Last evaluated: 2026-09-07. Review status: criteria provided, single submitter. Criteria: ACGS Best Practice Guidelines for Variant Classification in Rare Disease 2024 v1.2. Collection method: clinical testing. Allele origin: germline. Affected: yes.
Comment: PS3_supporting, PM3_strong

Women's Health and Genetics/Laboratory Corporation of America, LabCorp
Classification: Uncertain significance. Last evaluated: 2025-12-23. Review status: criteria provided, single submitter. Criteria: LabCorp Variant Classification Summary - May 2015. Collection method: clinical testing. Allele origin: germline.
Comment: Variant summary: ATAD3A c.229C>G (p.Leu77Val) results in a conservative amino acid change located in the ATPase family AAA domain-containing protein 3, N-terminal domain (IPR021911) of the encoded protein sequence. Algorithms developed to predict the effect of missense changes on protein structure and function are either unavailable or do not agree on the potential impact of this missense change. The variant allele was found at a frequency of 0.00045 in 1461700 control chromosomes in the gnomAD database, including 4 homozygotes. This frequency is not significantly higher than estimated for a pathogenic variant in ATAD3A causing Pontocerebellar hypoplasia, hypotonia, and respiratory insufficiency syndrome, neonatal lethal, allowing no conclusion about variant significance. c.229C>G has been reported in the literature in compound heterozygous individuals with clinical features consistent with Pontocerebellar hypoplasia, hypotonia, and respiratory insufficiency syndrome, neonatal lethal (Yap_2021, Skopkova_2023, Marom_2024, Schmidt_2024, Pantea_2025). These data indicate that the variant may be associated with disease. At least one publication reports experimental evidence evaluating an impact on protein function (Yap_2021). The most pronounced variant effect results in a partial loss of function using the Drosophila model system. The following publications have been ascertained in the context of this evaluation (PMID: 38386321, 40442269, 39039281, 37095554, 33845882). ClinVar contains an entry for this variant (Variation ID: 432628). Based on the evidence outlined above, the variant was classified as VUS-possibly pathogenic.

Genesolutions, Medical Genetics Institutes, Ho Chi Minh City, Vietnam
Classification: Uncertain significance for Pontocerebellar hypoplasia, hypotonia, and respiratory insufficiency syndrome, neonatal lethal. Last evaluated: 2025-09-24. Review status: criteria provided, single submitter. Criteria: ACMG Guidelines, 2015. Collection method: clinical testing. Allele origin: germline. Affected: yes.

Laboratory of Genetics, Children's Clinical University Hospital Latvia
Classification: Uncertain significance. Last evaluated: 2025-07-15. Review status: criteria provided, single submitter. Criteria: ACMG Guidelines, 2015. Collection method: clinical testing. Allele origin: germline. Affected: yes.

Blueprint Genetics
Classification: Pathogenic for ATAD3A-related disorders. Last evaluated: 2024-10-17. Review status: criteria provided, single submitter. Criteria: ACMG Guidelines, 2015. Collection method: clinical testing. Allele origin: germline. Affected: yes. Observed: 5 variant alleles.

CeGaT Center for Human Genetics Tuebingen
Classification: Pathogenic. Last evaluated: 2023-10-01. Review status: criteria provided, single submitter. Criteria: CeGaT Center For Human Genetics Tuebingen Variant Classification Criteria Version 2. Collection method: clinical testing. Allele origin: germline. Affected: yes. Observed: 6 variant alleles.
Comment: ATAD3A: PM3:Very Strong, PM2, PM5

Fulgent Genetics
Classification: Uncertain significance for Harel-Yoon syndrome; Pontocerebellar hypoplasia, hypotonia, and respiratory insufficiency syndrome, neonatal lethal. Last evaluated: 2021-07-30. Review status: criteria provided, single submitter. Criteria: ACMG Guidelines, 2015. Collection method: clinical testing. Allele origin: unknown.

Ambry Genetics
Classification: Uncertain significance for Inborn genetic diseases. Last evaluated: 2021-06-29. Review status: criteria provided, single submitter. Criteria: Ambry Variant Classification Scheme 2023. Collection method: clinical testing. Allele origin: germline.

GeneDx
Classification: Uncertain significance. Last evaluated: 2020-12-18. Review status: criteria provided, single submitter. Criteria: GeneDx Variant Classification Process June 2021. Collection method: clinical testing. Allele origin: germline. Affected: yes.
Comment: In silico analysis supports that this missense variant does not alter protein structure/function

Centre for Mendelian Genomics, University Medical Centre Ljubljana
Classification: Uncertain significance for Harel-Yoon syndrome. Last evaluated: 2019-10-28. Review status: criteria provided, single submitter. Criteria: ACMG Guidelines, 2015. Collection method: clinical testing. Allele origin: unknown. Affected: yes.
Comment: This variant was classified as: Uncertain significance. The available evidence on this variant's pathogenicity is insufficient or conflicting. The following ACMG criteria were applied in classifying this variant: PM2,PM3. This variant was detected in homozygous state.

Hadassah Hebrew University Medical Center
Classification: Uncertain significance for Harel-Yoon syndrome. Review status: criteria provided, single submitter. Criteria: ACMG Guidelines, 2015. Collection method: clinical testing. Allele origin: germline. Inheritance: Autosomal recessive inheritance. Affected: yes.

Literature cited by the submitters: PubMed 38386321 (cited by Women's Health and Genetics/Laboratory Corporation of America, LabCorp); PubMed 37095554 (cited by Women's Health and Genetics/Laboratory Corporation of America, LabCorp); PubMed 33845882 (cited by Women's Health and Genetics/Laboratory Corporation of America, LabCorp); PubMed 39039281 (cited by Women's Health and Genetics/Laboratory Corporation of America, LabCorp); PubMed 40442269 (cited by Women's Health and Genetics/Laboratory Corporation of America, LabCorp).